The following is an entry in ClinVar:

NM_000807.4(GABRA2):c.888delinsTAG (p.Ser297fs)

Gene: GABRA2 (gamma-aminobutyric acid type A receptor subunit alpha2; minus strand). Cytogenetic location: 4p12.
Variant type: Indel.
Coding change: c.888delinsTAG on transcript NM_000807.4 (MANE Select); coding-DNA position 888, A replaced by TAG.
Protein change: p.Ser297fs; shifts the reading frame from serine 297.
Molecular consequence: frameshift variant.
Genome position (GRCh38, 1-based): chr4:46,262,097, T replaced by CTA on the plus strand (A replaced by TAG on the coding strand, the reverse complement: GABRA2 is on the minus strand). VCF-style: chr4-46262097-T-CTA. GRCh37 (hg19) VCF-style: chr4-46264114-T-CTA.
Other names: c.888delinsTAG, p.Ser297fs (NM_001114175.3, NM_001330690.2, NM_001377144.1 and 8 more transcripts); c.723delinsTAG, p.Ser242fs (NM_001286827.3, NM_001377152.1, NM_001377153.1 and 1 more transcripts); short protein forms S242fs, S297fs.
Identifiers: ClinVar variation 2444676 (VCV002444676.2), dbSNP rs2475296264, ClinGen allele CA2580071029.

ClinVar aggregate classification (germline): Uncertain significance (1 of 4 stars; one submission).

Submission:

GeneDx
Classification: Uncertain significance. Last evaluated: 2025-11-06. Review status: criteria provided, single submitter. Criteria: GeneDx Variant Classification Process June 2021. Collection method: clinical testing. Allele origin: germline.
Comment: Not observed at significant frequency in large population cohorts (gnomAD); Frameshift variant predicted to result in protein truncation or nonsense mediated decay in a gene or region of a gene for which loss of function is not a well-established mechanism of disease; Has not been previously published as pathogenic or benign to our knowledge